The following is an entry in ClinVar:

NM_002234.4(KCNA5):c.850C>T (p.His284Tyr)

Gene: KCNA5 (potassium voltage-gated channel subfamily A member 5; plus strand). Cytogenetic location: 12p13.32.
Variant type: single nucleotide variant.
Coding change: c.850C>T on transcript NM_002234.4 (MANE Select); coding-DNA position 850, C replaced by T.
Protein change: p.His284Tyr; replaces histidine 284 with tyrosine.
Molecular consequence: missense variant.
Genome position (GRCh38, 1-based): chr12:5,044,997, C>T. VCF-style: chr12-5044997-C-T. GRCh37 (hg19) VCF-style: chr12-5154163-C-T.
Other names: short protein forms H284Y.
Identifiers: ClinVar variation 2037817 (VCV002037817.4), dbSNP rs767882040, ClinGen allele CA6399733.

ClinVar aggregate classification (germline): Uncertain significance (1 of 4 stars; one submission).

Conditions:
Atrial fibrillation, familial, 7 (ATFB7). Identifiers: MedGen C2677106, MONDO:0012828, OMIM 612240.

Allele frequency attached by ClinVar (database versions not stated): gnomAD exomes below 0.00001; ExAC 0.00001; gnomAD 0.00001; TOPMed 0.00001.

Submission:

Labcorp Genetics (formerly Invitae), Labcorp
Classification: Uncertain significance for Atrial fibrillation, familial, 7. Last evaluated: 2022-02-12. Review status: criteria provided, single submitter. Criteria: Invitae Variant Classification Sherloc (09022015). Collection method: clinical testing. Allele origin: germline.
Comment: Algorithms developed to predict the effect of missense changes on protein structure and function are either unavailable or do not agree on the potential impact of this missense change (SIFT: "Deleterious"; PolyPhen-2: "Benign"; Align-GVGD: "Class C0"). In summary, the available evidence is currently insufficient to determine the role of this variant in disease. Therefore, it has been classified as a Variant of Uncertain Significance. This variant has not been reported in the literature in individuals affected with KCNA5-related conditions. This variant is present in population databases (rs767882040, gnomAD 0.002%). This sequence change replaces histidine, which is basic and polar, with tyrosine, which is neutral and polar, at codon 284 of the KCNA5 protein (p.His284Tyr).